The following is an entry in ClinVar:

ClinVar aggregate classification (germline): Pathogenic (1 of 4 stars; one submission).

Submission:

Labcorp Genetics (formerly Invitae), Labcorp
Classification: Pathogenic. Last evaluated: 2020-03-25. Review status: criteria provided, single submitter. Criteria: Invitae Variant Classification Sherloc (09022015). Collection method: clinical testing. Allele origin: germline.
Comment: Glycine residues within the Gly-Xaa-Yaa repeats of the triple helix domain are required for the structure and stability of fibrillar collagens (PMID: 7695699, 8218237, 19344236). In COL4A5, missense variants at these glycine residues are significantly enriched in individuals with disease (PMID: 23720012, 27627812) compared to the general population (ExAC). For these reasons, this variant has been classified as Pathogenic. This variant has been observed in individual(s) with Alport syndrome (PMID: 30577881, Invitae). This variant is not present in population databases (ExAC no frequency). This sequence change replaces glycine with valine at codon 647 of the COL4A5 protein (p.Gly647Val). The glycine residue is highly conserved and there is a moderate physicochemical difference between glycine and valine.

Literature cited by the submitters: PubMed 7695699; PubMed 8218237; PubMed 19344236; PubMed 23720012; PubMed 27627812; PubMed 30577881.

NM_033380.3(COL4A5):c.1940G>T (p.Gly647Val)

Gene: COL4A5 (collagen type IV alpha 5 chain; plus strand). Cytogenetic location: Xq22.3.
Variant type: single nucleotide variant.
Coding change: c.1940G>T on transcript NM_033380.3 (MANE Select); coding-DNA position 1940, G replaced by T.
Protein change: p.Gly647Val; replaces glycine 647 with valine.
Molecular consequence: missense variant.
Genome position (GRCh38, 1-based): chrX:108,598,862, G>T. VCF-style: chrX-108598862-G-T. GRCh37 (hg19) VCF-style: chrX-107842092-G-T.
Other names: c.1940G>T, p.Gly647Val (NM_000495.5); short protein forms G647V.
Identifiers: ClinVar variation 1073034 (VCV001073034.9), dbSNP rs2147813867, ClinGen allele CA413845935.